The following is an entry in ClinVar:

NM_033028.5(BBS4):c.1289T>C (p.Val430Ala)

Gene: BBS4 (Bardet-Biedl syndrome 4; plus strand). Cytogenetic location: 15q24.1.
Variant type: single nucleotide variant.
Coding change: c.1289T>C on transcript NM_033028.5 (MANE Select); coding-DNA position 1289, T replaced by C.
Protein change: p.Val430Ala; replaces valine 430 with alanine.
Molecular consequence: missense variant. On other transcripts: non-coding transcript variant (2).
Genome position (GRCh38, 1-based): chr15:72,736,802, T>C. VCF-style: chr15-72736802-T-C. GRCh37 (hg19) VCF-style: chr15-73029143-T-C.
Other names: c.1289T>C (NM_033028.4, NM_033028.3); c.773T>C, p.Val258Ala (NM_001252678.2); c.1220T>C, p.Val407Ala (NM_001320665.2); short protein forms V407A, V258A, V430A.
Identifiers: ClinVar variation 1411179 (VCV001411179.7), dbSNP rs767070801, ClinGen allele CA272646542.

ClinVar aggregate classification (germline): Uncertain significance. Review status: criteria provided, multiple submitters, no conflicts (2 of 4 stars). 3 submissions from 3 submitters: Uncertain significance (3). Last evaluated 2026-05-08.

Conditions:
BBS4-related disorder. Also called: BBS4-related condition.
Inborn genetic diseases. Identifiers: MedGen C0950123, MeSH D030342.
Bardet-Biedl syndrome (BBS). Identifiers: Orphanet 110, MedGen C0752166, MONDO:0015229.

Allele frequency attached by ClinVar (database versions not stated): gnomAD 0.00001; TOPMed 0.00002.
gnomAD v4.1: 41 of 1,614,022 alleles (0.0025%); highest among the groups gnomAD compares: Non-Finnish European, 0.0032%; no homozygotes.

Submissions (3):

PreventionGenetics, part of Exact Sciences
Classification: Uncertain significance for BBS4-related condition. Last evaluated: 2026-05-08. Review status: criteria provided, single submitter. Criteria: ACMG Guidelines, 2015. Collection method: clinical testing. Allele origin: germline.
Comment: The BBS4 c.1289T>C variant is predicted to result in the amino acid substitution p.Val430Ala. To our knowledge, this variant has not been reported in the literature. An alternative nucleotide change affecting the same amino acid (c.1288G>T, p.Val430Phe) was identified in a cohort study of individuals with Bardet-Biedl syndrome (Gnanasekaran et al. 2023. PubMed ID: 37431782). This variant is reported in 0.0026% of alleles in individuals of European (non-Finnish) descent in gnomAD. At this time, the clinical significance of the c.1289T>C (p.Val430Ala) variant is uncertain due to the absence of conclusive functional and genetic evidence.

Ambry Genetics
Classification: Uncertain significance for Inborn genetic diseases. Last evaluated: 2025-05-05. Review status: criteria provided, single submitter. Criteria: Ambry Variant Classification Scheme 2023. Collection method: clinical testing. Allele origin: germline.

Labcorp Genetics (formerly Invitae), Labcorp
Classification: Uncertain significance for Bardet-Biedl syndrome. Last evaluated: 2022-07-12. Review status: criteria provided, single submitter. Criteria: Invitae Variant Classification Sherloc (09022015). Collection method: clinical testing. Allele origin: germline.
Comment: This sequence change replaces valine, which is neutral and non-polar, with alanine, which is neutral and non-polar, at codon 430 of the BBS4 protein (p.Val430Ala). This variant is present in population databases (rs767070801, gnomAD 0.003%). This variant has not been reported in the literature in individuals affected with BBS4-related conditions. ClinVar contains an entry for this variant (Variation ID: 1411179). Algorithms developed to predict the effect of missense changes on protein structure and function are either unavailable or do not agree on the potential impact of this missense change (SIFT: "Deleterious"; PolyPhen-2: "Benign"; Align-GVGD: "Class C0"). In summary, the available evidence is currently insufficient to determine the role of this variant in disease. Therefore, it has been classified as a Variant of Uncertain Significance.